The following is an entry in ClinVar:

ClinVar aggregate classification (germline): Uncertain significance (1 of 4 stars; one submission).

gnomAD v4.1: 14 of 1,614,000 alleles (0.00087%); highest among the groups gnomAD compares: African/African-American, 0.0027%; no homozygotes.

Submission:

Ambry Genetics
Classification: Uncertain significance. Last evaluated: 2025-08-10. Review status: criteria provided, single submitter. Criteria: Ambry Variant Classification Scheme 2023. Collection method: clinical testing. Allele origin: germline.
Comment: The c.113G>A (p.R38Q) alteration is located in exon (coding exon ) of the INPP5D gene. This alteration results from a G to A substitution at nucleotide position 113, causing the arginine (R) at amino acid position 38 to be replaced by a glutamine (Q). Based on insufficient or conflicting evidence, the clinical significance of this alteration remains unclear.

NM_001017915.3(INPP5D):c.113G>A (p.Arg38Gln)

Gene: INPP5D (inositol polyphosphate-5-phosphatase D; plus strand). Cytogenetic location: 2q37.1.
Variant type: single nucleotide variant.
Coding change: c.113G>A on transcript NM_001017915.3 (MANE Select); coding-DNA position 113, G replaced by A.
Protein change: p.Arg38Gln; replaces arginine 38 with glutamine.
Molecular consequence: missense variant.
Genome position (GRCh38, 1-based): chr2:233,060,591, G>A. VCF-style: chr2-233060591-G-A. GRCh37 (hg19) VCF-style: chr2-233925301-G-A.
Other names: c.113G>A, p.Arg38Gln (NM_005541.5); short protein forms R38Q.
Identifiers: ClinVar variation 4275603 (VCV004275603.1).
Genomic context (GRCh38, chr2:233,060,591, plus strand): 5'-TGCTTTCCAGGACAGGCAAGGACGGGAGCTTCCTCGTGCGTGCCAGCGAGTCCATCTCCC[G>A]GGCATACGCGCTCTGCGTGCTGTGAGTACAACCTGCTCCCTCCCCGGGCACAGATATGAC-3'
Protein context (NP_001017915.1, residues 28-48): FLVRASESIS[Arg38Gln]AYALCVLYRN